The following is an entry in ClinVar:

NM_000051.4(ATM):c.494T>G (p.Leu165Ter)

Gene: ATM (ATM serine/threonine kinase; plus strand). Cytogenetic location: 11q22.3.
Variant type: single nucleotide variant.
Coding change: c.494T>G on transcript NM_000051.4 (MANE Select); coding-DNA position 494, T replaced by G.
Protein change: p.Leu165Ter; replaces leucine 165 with a stop codon.
Molecular consequence: nonsense.
Genome position (GRCh38, 1-based): chr11:108,235,832, T>G. VCF-style: chr11-108235832-T-G. GRCh37 (hg19) VCF-style: chr11-108106559-T-G.
Other names: c.494T>G, p.Leu165Ter (NM_001351834.2); short protein forms L165*.
Identifiers: ClinVar variation 969032 (VCV000969032.8), dbSNP rs2079249238, ClinGen allele CA382525774.

ClinVar aggregate classification (germline): Pathogenic. Review status: criteria provided, multiple submitters, no conflicts (2 of 4 stars). 2 submissions from 2 submitters: Pathogenic (2). Last evaluated 2026-07-30.

Conditions:
Ataxia-telangiectasia syndrome (AT). Also called: LOUIS-BAR SYNDROME; AT, COMPLEMENTATION GROUP C; Ataxia telangiectasia (A-T); Cerebello-oculocutaneous telangiectasia; Immunodeficiency with ataxia telangiectasia; Ataxia-telangiectasia. Identifiers: Orphanet 100, MedGen C0004135, MONDO:0008840, OMIM 208900.
Hereditary cancer-predisposing syndrome. Also called: Neoplastic Syndromes, Hereditary; Hereditary Cancer Syndrome; Tumor predisposition; Hereditary neoplastic syndrome. Identifiers: Orphanet 140162, MedGen C0027672, MeSH D009386, MONDO:0015356.

Submissions (2):

Ambry Genetics
Classification: Pathogenic for Hereditary cancer-predisposing syndrome. Last evaluated: 2026-07-30. Review status: criteria provided, single submitter. Criteria: Ambry Variant Classification Scheme 2023. Collection method: clinical testing. Allele origin: germline.
Comment: The p.L165* pathogenic mutation (also known as c.494T>G), located in coding exon 4 of the ATM gene, results from a T to G substitution at nucleotide position 494. This changes the amino acid from a leucine to a stop codon within coding exon 4. This variant has been identified in the homozygous state and/or in conjunction with other ATM variant(s) in individual(s) who met clinical criteria for ataxia telangiectasia; in at least one instance, the variants were identified in trans (Suspitsin E et al. Eur J Med Genet, 2020 Jan;63:103630). This variant is considered to be rare based on population cohorts in the Genome Aggregation Database (gnomAD). This variant is expected to result in loss of function by premature protein truncation or nonsense-mediated mRNA decay. As such, this variant is interpreted as a disease-causing mutation.

Labcorp Genetics (formerly Invitae), Labcorp
Classification: Pathogenic for Ataxia-telangiectasia syndrome. Last evaluated: 2024-07-15. Review status: criteria provided, single submitter. Criteria: Invitae Variant Classification Sherloc (09022015). Collection method: clinical testing. Allele origin: germline.
Comment: This sequence change creates a premature translational stop signal (p.Leu165*) in the ATM gene. It is expected to result in an absent or disrupted protein product. Loss-of-function variants in ATM are known to be pathogenic (PMID: 23807571, 25614872). This variant is not present in population databases (gnomAD no frequency). This premature translational stop signal has been observed in individual(s) with ataxia-telangiectasia (PMID: 30772474). ClinVar contains an entry for this variant (Variation ID: 969032). For these reasons, this variant has been classified as Pathogenic.

Literature cited by the submitters: PubMed 30772474 (cited by Ambry Genetics and Labcorp Genetics (formerly Invitae), Labcorp); PubMed 23807571 (cited by Labcorp Genetics (formerly Invitae), Labcorp); PubMed 25614872 (cited by Labcorp Genetics (formerly Invitae), Labcorp).